The following is an entry in ClinVar:

NM_181552.4(CUX1):c.1593del (p.Met532fs)

Gene: CUX1 (cut like homeobox 1; plus strand). Cytogenetic location: 7q22.1.
Variant type: Deletion.
Coding change: c.1593del on transcript NM_181552.4 (MANE Select); coding-DNA position 1593, one base deleted (C; older notation c.1593delC).
Protein change: p.Met532fs; shifts the reading frame from methionine 532.
Molecular consequence: frameshift variant. On other transcripts: intron variant (5).
Genome position (GRCh38, 1-based): chr7:102,197,004, C deleted. VCF-style (leftmost placement, unchanged base first): chr7-102197003-GC-G. GRCh37 (hg19) VCF-style: chr7-101840283-GC-G.
Other names: c.1626del, p.Met543fs (NM_001202543.2); c.1255+1401del (NM_001913.5); c.1249+1401del (NM_181500.4); c.1117+1401del (NM_001202545.3); c.1207+1401del (NM_001202544.3); c.1138+1401del (NM_001202546.3); short protein forms M532fs, M543fs.
Identifiers: ClinVar variation 1803942 (VCV001803942.1), dbSNP rs2485343245, ClinGen allele CA2580076038.

ClinVar aggregate classification (germline): Pathogenic (1 of 4 stars; one submission).

Conditions:
Global developmental delay with or without impaired intellectual development. Identifiers: MedGen C5193032, MONDO:0032680, OMIM 618330.

Submission:

Institute of Human Genetics, University of Leipzig Medical Center
Classification: Pathogenic for Global developmental delay with or without impaired intellectual development. Last evaluated: 2022-12-19. Review status: criteria provided, single submitter. Criteria: ACMG Guidelines, 2015. Collection method: clinical testing. Allele origin: de novo. Affected: yes.
Comment: Criteria applied: PVS1, PS2_Moderate, PM2_Supporting